The following is an entry in ClinVar:

ClinVar aggregate classification (germline): Uncertain significance (1 of 4 stars; one submission).

gnomAD v4.1: 1 of 1,614,088 alleles (0.000062%); highest among the groups gnomAD compares: African/African-American, 0.0013%; no homozygotes.

Submission:

Women's Health and Genetics/Laboratory Corporation of America, LabCorp
Classification: Uncertain significance. Last evaluated: 2026-03-13. Review status: criteria provided, single submitter. Criteria: LabCorp Variant Classification Summary - May 2015. Collection method: clinical testing. Allele origin: germline.
Comment: Variant summary: SALL4 c.395G>A (p.Cys132Tyr) results in a non-conservative amino acid change in the encoded protein sequence. Algorithms developed to predict the effect of missense changes on protein structure and function are either unavailable or do not agree on the potential impact of this missense change. The variant was absent in 251440 control chromosomes. The available data on variant occurrences in the general population are insufficient to allow any conclusion about variant significance. To our knowledge, no occurrence of c.395G>A in individuals affected with SALL4-related conditions and no experimental evidence demonstrating its impact on protein function have been reported. No submitters have cited clinical-significance assessments for this variant to ClinVar. Based on the evidence outlined above, the variant was classified as uncertain significance.

NM_020436.5(SALL4):c.395G>A (p.Cys132Tyr)

Gene: SALL4 (spalt like transcription factor 4; minus strand). Cytogenetic location: 20q13.2.
Variant type: single nucleotide variant.
Coding change: c.395G>A on transcript NM_020436.5 (MANE Select); coding-DNA position 395, G replaced by A.
Protein change: p.Cys132Tyr; replaces cysteine 132 with tyrosine.
Molecular consequence: missense variant.
Genome position (GRCh38, 1-based): chr20:51,792,088, C>T on the plus strand (G>A on the coding strand, the complement: SALL4 is on the minus strand). VCF-style: chr20-51792088-C-T. GRCh37 (hg19) VCF-style: chr20-50408627-C-T.
Other names: c.395G>A, p.Cys132Tyr (NM_001318031.2); short protein forms C132Y.
Identifiers: ClinVar variation 4847257 (VCV004847257.1).